The following is an entry in ClinVar:

NM_006892.4(DNMT3B):c.1059G>A (p.Thr353=)

Gene: DNMT3B (DNA methyltransferase 3 beta; plus strand). Cytogenetic location: 20q11.21.
Variant type: single nucleotide variant.
Coding change: c.1059G>A on transcript NM_006892.4 (MANE Select); coding-DNA position 1059, G replaced by A.
Protein change: p.Thr353=; no amino-acid change (threonine 353 retained).
Molecular consequence: synonymous variant.
Genome position (GRCh38, 1-based): chr20:32,792,763, G>A. VCF-style: chr20-32792763-G-A. GRCh37 (hg19) VCF-style: chr20-31380569-G-A.
Other names: c.933G>A, p.Thr311= (NM_001207055.2); c.831G>A, p.Thr277= (NM_001207056.2); c.1059G>A, p.Thr353= (NM_175848.2, NM_175849.2); c.1095G>A, p.Thr365= (NM_175850.3); c.1059G>A (NM_006892.3).
Identifiers: ClinVar variation 1158085 (VCV001158085.11), dbSNP rs371630760, ClinGen allele CA313188854.

ClinVar aggregate classification (germline): Likely benign. Review status: criteria provided, single submitter (1 of 4 stars). 2 submissions from 2 submitters: Likely benign (1). 1 of the submissions does not count toward it. Last evaluated 2025-03-10.

Conditions:
Centromeric instability of chromosomes 1,9 and 16 and immunodeficiency (ICF1). Also called: Immunodeficiency-centromeric instability-facial anomalies; IMMUNE DEFICIENCY, VARIABLE, WITH CENTROMERIC INSTABILITY OF CHROMOSOMES 1, 9, AND 16; IMMUNODEFICIENCY SYNDROME, VARIABLE; CENTROMERIC INSTABILITY, IMMUNODEFICIENCY SYNDROME. Identifiers: Orphanet 2268, MedGen C0398788, MONDO:0000133.
DNMT3B-related disorder. Also called: DNMT3B-related condition.

Allele frequency attached by ClinVar (database versions not stated): gnomAD exomes 0.00001; TOPMed 0.00002; gnomAD 0.00003 and 0.00004; ESP Exome Variant Server 0.00008; 1000 Genomes Project 30x 0.00016; 1000 Genomes Project 0.00020.
gnomAD v4.1: 27 of 1,614,084 alleles (0.0017%); highest among the groups gnomAD compares: African/African-American, 0.011%; no homozygotes.

Submissions (2):

Labcorp Genetics (formerly Invitae), Labcorp
Classification: Likely benign for Centromeric instability of chromosomes 1,9 and 16 and immunodeficiency. Last evaluated: 2025-03-10. Review status: criteria provided, single submitter. Criteria: Invitae Variant Classification Sherloc (09022015). Collection method: clinical testing. Allele origin: germline.

PreventionGenetics, part of Exact Sciences
Classification: Likely benign for DNMT3B-related condition. Last evaluated: 2019-07-15. Review status: no assertion criteria provided. Collection method: clinical testing. Allele origin: germline. Not counted in ClinVar's aggregate classification.
Comment: This variant is classified as likely benign based on ACMG/AMP sequence variant interpretation guidelines (Richards et al. 2015 PMID: 25741868, with internal and published modifications).